The following is an entry in ClinVar:

NM_001165963.4(SCN1A):c.1269del (p.Met424fs)

Gene: SCN1A (sodium voltage-gated channel alpha subunit 1; minus strand). Cytogenetic location: 2q24.3.
Variant type: Deletion.
Coding change: c.1269del on transcript NM_001165963.4 (MANE Select); coding-DNA position 1269, one base deleted (C; older notation c.1269delC).
Protein change: p.Met424fs; shifts the reading frame from methionine 424.
Molecular consequence: frameshift variant. On other transcripts: 5 prime UTR variant (1), non-coding transcript variant (1).
Genome position (GRCh38, 1-based): chr2:166,046,878, G deleted on the plus strand (C on the coding strand, the reverse complement: SCN1A is on the minus strand); the first of 2 consecutive G bases (chr2:166,046,878-166,046,879); deleting either gives the same sequence. VCF-style (leftmost placement, unchanged base first): chr2-166046877-TG-T. GRCh37 (hg19) VCF-style: chr2-166903387-TG-T.
Other names: c.1269del, p.Met424fs (NM_001165964.3, NM_001202435.3, NM_001353948.2 and 10 more transcripts); c.-1157del (NM_001353961.2); short protein forms M424fs.
Identifiers: ClinVar variation 566661 (VCV000566661.9), dbSNP rs1559225495, ClinGen allele CA891842516.

ClinVar aggregate classification (germline): Pathogenic (1 of 4 stars; one submission).

Conditions:
Early-infantile DEE. Also called: Ohtahara syndrome; Early infantile epileptic encephalopathy; Early infantile epileptic encephalopathy with suppression bursts. Identifiers: Orphanet 1934, MedGen C0393706, MONDO:0800491.

Submission:

Labcorp Genetics (formerly Invitae), Labcorp
Classification: Pathogenic for Early-infantile DEE. Last evaluated: 2022-06-04. Review status: criteria provided, single submitter. Criteria: Invitae Variant Classification Sherloc (09022015). Collection method: clinical testing. Allele origin: germline.
Comment: This sequence change creates a premature translational stop signal (p.Met424Trpfs*24) in the SCN1A gene. It is expected to result in an absent or disrupted protein product. Loss-of-function variants in SCN1A are known to be pathogenic (PMID: 17347258, 18930999). This variant is not present in population databases (gnomAD no frequency). This variant has not been reported in the literature in individuals affected with SCN1A-related conditions. ClinVar contains an entry for this variant (Variation ID: 566661). For these reasons, this variant has been classified as Pathogenic.

Literature cited by the submitters: PubMed 17347258; PubMed 18930999.